The following is an entry in ClinVar:

NM_173660.5(DOK7):c.1067C>T (p.Ala356Val)

Gene: DOK7 (docking protein 7; plus strand). Cytogenetic location: 4p16.3.
Variant type: single nucleotide variant.
Coding change: c.1067C>T on transcript NM_173660.5 (MANE Select); coding-DNA position 1067, C replaced by T.
Protein change: p.Ala356Val; replaces alanine 356 with valine.
Molecular consequence: missense variant. On other transcripts: 3 prime UTR variant (1).
Genome position (GRCh38, 1-based): chr4:3,493,053, C>T. VCF-style: chr4-3493053-C-T. GRCh37 (hg19) VCF-style: chr4-3494780-C-T.
Other names: c.*288C>T (NM_001164673.2); c.137C>T, p.Ala46Val (NM_001256896.2); c.1067C>T, p.Ala356Val (NM_001301071.2); c.635C>T, p.Ala212Val (NM_001363811.2); short protein forms A212V, A356V, A46V.
Identifiers: ClinVar variation 836183 (VCV000836183.9), dbSNP rs368512847, ClinGen allele CA2829348.

ClinVar aggregate classification (germline): Uncertain significance. Review status: criteria provided, multiple submitters, no conflicts (2 of 4 stars). 3 submissions from 3 submitters: Uncertain significance (3). Last evaluated 2026-03-27.

Conditions:
Fetal akinesia deformation sequence 1 (FADS1). Also called: Pena-Shokeir syndrome type I; Fetal akinesia sequence. Identifiers: Orphanet 994, MedGen C1276035, MONDO:0100101, OMIM 208150, HP:0001989.
Congenital myasthenic syndrome 10. Also called: Myasthenia, limb-girdle, familial. Identifiers: Orphanet 590, MedGen C1850792, MONDO:0009690, OMIM 254300.
Inborn genetic diseases. Identifiers: MedGen C0950123, MeSH D030342.

Allele frequency attached by ClinVar (database versions not stated): TOPMed 0.00007; ESP Exome Variant Server 0.00008; ExAC 0.00015.
gnomAD v4.1: 197 of 1,573,722 alleles (0.013%); highest among the groups gnomAD compares: African/African-American, 0.03%; no homozygotes.

Submissions (3):

GeneDx
Classification: Uncertain significance. Last evaluated: 2026-03-27. Review status: criteria provided, single submitter. Criteria: GeneDx Variant Classification Process June 2021. Collection method: clinical testing. Allele origin: germline.
Comment: In silico analysis supports that this missense variant has a deleterious effect on protein structure/function; Has not been previously published as pathogenic or benign to our knowledge

Ambry Genetics
Classification: Uncertain significance for Inborn genetic diseases. Last evaluated: 2024-06-07. Review status: criteria provided, single submitter. Criteria: Ambry Variant Classification Scheme 2023. Collection method: clinical testing. Allele origin: germline.

Labcorp Genetics (formerly Invitae), Labcorp
Classification: Uncertain significance for Congenital myasthenic syndrome 10; Fetal akinesia deformation sequence 1. Last evaluated: 2022-02-20. Review status: criteria provided, single submitter. Criteria: Invitae Variant Classification Sherloc (09022015). Collection method: clinical testing. Allele origin: germline.
Comment: This sequence change replaces alanine, which is neutral and non-polar, with valine, which is neutral and non-polar, at codon 356 of the DOK7 protein (p.Ala356Val). The frequency data for this variant in the population databases is considered unreliable, as metrics indicate poor data quality at this position in the gnomAD database. This variant has not been reported in the literature in individuals affected with DOK7-related conditions. ClinVar contains an entry for this variant (Variation ID: 836183). Algorithms developed to predict the effect of missense changes on protein structure and function are either unavailable or do not agree on the potential impact of this missense change (SIFT: "Deleterious"; PolyPhen-2: "Possibly Damaging"; Align-GVGD: "Class C0"). In summary, the available evidence is currently insufficient to determine the role of this variant in disease. Therefore, it has been classified as a Variant of Uncertain Significance.